The following is an entry in ClinVar:

NM_018979.4(WNK1):c.4939C>T (p.Pro1647Ser)

Gene: WNK1 (WNK lysine deficient protein kinase 1; plus strand). Cytogenetic location: 12p13.33.
Variant type: single nucleotide variant.
Coding change: c.4939C>T on transcript NM_018979.4 (MANE Select); coding-DNA position 4939, C replaced by T.
Protein change: p.Pro1647Ser; replaces proline 1647 with serine.
Molecular consequence: missense variant.
Genome position (GRCh38, 1-based): chr12:885,743, C>T. VCF-style: chr12-885743-C-T. GRCh37 (hg19) VCF-style: chr12-994909-C-T.
Other names: c.5719C>T, p.Pro1907Ser (NM_001184985.2); c.4198C>T, p.Pro1400Ser (NM_014823.3); c.5695C>T, p.Pro1899Ser (NM_213655.5); short protein forms P1899S, P1400S, P1907S, P1647S.
Identifiers: ClinVar variation 4794734 (VCV004794734.1).

ClinVar aggregate classification (germline): Uncertain significance (1 of 4 stars; one submission).

Conditions:
Neuropathy, hereditary sensory and autonomic, type 2A (HSAN2A). Also called: ACROOSTEOLYSIS, GIACCAI TYPE; ACROOSTEOLYSIS, NEUROGENIC; MORVAN DISEASE; NEUROPATHY, CONGENITAL SENSORY; NEUROPATHY, HEREDITARY SENSORY RADICULAR, AUTOSOMAL RECESSIVE; NEUROPATHY, HEREDITARY SENSORY, TYPE IIA. Identifiers: Orphanet 970, MedGen C2752089, MONDO:0024309, OMIM 201300.
Pseudohypoaldosteronism type 2C (PHA2C). Also called: Pseudohypoaldosteronism Type IIC. Identifiers: Orphanet 757, Orphanet 88940, MedGen C1840391, MONDO:0013778, OMIM 614492.

gnomAD v4.1: 1 of 1,614,212 alleles (0.000062%); highest among the groups gnomAD compares: Non-Finnish European, 0.000085%; no homozygotes.

Submission:

Labcorp Genetics (formerly Invitae), Labcorp
Classification: Uncertain significance for Neuropathy, hereditary sensory and autonomic, type 2A; Pseudohypoaldosteronism type 2C. Last evaluated: 2025-08-12. Review status: criteria provided, single submitter. Criteria: Invitae Variant Classification Sherloc (09022015). Collection method: clinical testing. Allele origin: germline.
Comment: This sequence change replaces proline, which is neutral and non-polar, with serine, which is neutral and polar, at codon 1899 of the WNK1 protein (p.Pro1899Ser). This variant is not present in population databases (gnomAD no frequency). This variant has not been reported in the literature in individuals affected with WNK1-related conditions. Invitae Evidence Modeling of protein sequence and biophysical properties (such as structural, functional, and spatial information, amino acid conservation, physicochemical variation, residue mobility, and thermodynamic stability) indicates that this missense variant is not expected to disrupt WNK1 protein function with a negative predictive value of 95%. In summary, the available evidence is currently insufficient to determine the role of this variant in disease. Therefore, it has been classified as a Variant of Uncertain Significance.